The following is an entry in ClinVar:

NM_014141.6(CNTNAP2):c.2459G>A (p.Ser820Asn)

Gene: CNTNAP2 (contactin associated protein 2; plus strand). Cytogenetic location: 7q35.
Variant type: single nucleotide variant.
Coding change: c.2459G>A on transcript NM_014141.6 (MANE Select); coding-DNA position 2459, G replaced by A.
Protein change: p.Ser820Asn; replaces serine 820 with asparagine.
Molecular consequence: missense variant.
Genome position (GRCh38, 1-based): chr7:148,118,193, G>A. VCF-style: chr7-148118193-G-A. GRCh37 (hg19) VCF-style: chr7-147815285-G-A.
Other names: short protein forms S820N.
Identifiers: ClinVar variation 1316542 (VCV001316542.2), dbSNP rs772750794, ClinGen allele CA4546404.
Genomic context (GRCh38, chr7:148,118,193, plus strand): 5'-CCGCCTCTTTCCCAAACCCATCCTCCTACCTGCACTTCTCTACTTTCCAAGGGGAAACTA[G>A]CGCTGACATTTCTTTCTACTTCAAAACATTAACCCCCTGGGGAGTGTTTCTTGAAAATAT-3'
Protein context (NP_054860.1, residues 810-830): LHFSTFQGET[Ser820Asn]ADISFYFKTL

ClinVar aggregate classification (germline): Uncertain significance (1 of 4 stars; one submission).

Allele frequency attached by ClinVar (database versions not stated): gnomAD exomes below 0.00001; ExAC 0.00001.

Submission:

GeneDx
Classification: Uncertain significance. Last evaluated: 2020-01-13. Review status: criteria provided, single submitter. Criteria: GeneDx Variant Classification Process June 2021. Collection method: clinical testing. Allele origin: germline. Affected: yes.
Comment: Not observed at a significant frequency in large population cohorts (Lek et al., 2016); In silico analysis, which includes protein predictors and evolutionary conservation, supports that this variant does not alter protein structure/function; Has not been previously published as pathogenic or benign to our knowledge